The following is an entry in ClinVar:

NM_002769.5(PRSS1):c.602G>T (p.Gly201Val)

Genes: PRSS1 (serine protease 1; plus strand), TRB (T cell receptor beta locus; plus strand). Cytogenetic location: 7q34.
Variant type: single nucleotide variant.
Coding change: c.602G>T on transcript NM_002769.5 (MANE Select); coding-DNA position 602, G replaced by T.
Protein change: p.Gly201Val; replaces glycine 201 with valine.
Molecular consequence: missense variant. On other transcripts: non-coding transcript variant (5).
Genome position (GRCh38, 1-based): chr7:142,752,878, G>T. VCF-style: chr7-142752878-G-T. GRCh37 (hg19) VCF-style: chr7-142460729-G-T.
Other names: short protein forms G201V.
Identifiers: ClinVar variation 2563194 (VCV002563194.4), dbSNP rs1288010897, ClinGen allele CA369610588.

ClinVar aggregate classification (germline): Uncertain significance. Review status: criteria provided, multiple submitters, no conflicts (2 of 4 stars). 2 submissions from 2 submitters: Uncertain significance (2). Last evaluated 2024-02-08.

Conditions:
Hereditary pancreatitis (PCTT). Also called: Hereditary chronic pancreatitis; PRSS1-Related Hereditary Pancreatitis. Identifiers: Orphanet 676, MedGen C0238339, MONDO:0008185, OMIM 167800.

Allele frequency attached by ClinVar (database versions not stated): gnomAD exomes below 0.00001; TOPMed 0.00002.
gnomAD v4.1: 1 of 1,614,108 alleles (0.000062%); highest among the groups gnomAD compares: African/African-American, 0.0013%; no homozygotes.

Submissions (2):

Labcorp Genetics (formerly Invitae), Labcorp
Classification: Uncertain significance for Hereditary pancreatitis. Last evaluated: 2024-02-08. Review status: criteria provided, single submitter. Criteria: Invitae Variant Classification Sherloc (09022015). Collection method: clinical testing. Allele origin: germline.
Comment: This sequence change replaces glycine, which is neutral and non-polar, with valine, which is neutral and non-polar, at codon 201 of the PRSS1 protein (p.Gly201Val). The frequency data for this variant in the population databases is considered unreliable, as metrics indicate poor data quality at this position in the gnomAD database. This variant has not been reported in the literature in individuals affected with PRSS1-related conditions. ClinVar contains an entry for this variant (Variation ID: 2563194). Advanced modeling of protein sequence and biophysical properties (such as structural, functional, and spatial information, amino acid conservation, physicochemical variation, residue mobility, and thermodynamic stability) performed at Invitae indicates that this missense variant is expected to disrupt PRSS1 protein function with a positive predictive value of 80%. In summary, the available evidence is currently insufficient to determine the role of this variant in disease. Therefore, it has been classified as a Variant of Uncertain Significance.

Ambry Genetics
Classification: Uncertain significance for Hereditary pancreatitis. Last evaluated: 2023-05-04. Review status: criteria provided, single submitter. Criteria: Ambry Variant Classification Scheme 2023. Collection method: clinical testing. Allele origin: germline.
Comment: The p.G201V variant (also known as c.602G>T), located in coding exon 5 of the PRSS1 gene, results from a G to T substitution at nucleotide position 602. The glycine at codon 201 is replaced by valine, an amino acid with dissimilar properties. This amino acid position is conserved. In addition, this alteration is predicted to be deleterious by in silico analysis. Since supporting evidence is limited at this time, the clinical significance of this alteration remains unclear.